The following is an entry in ClinVar:

ClinVar aggregate classification (germline): Uncertain significance. Review status: criteria provided, multiple submitters, no conflicts (2 of 4 stars). 3 submissions from 3 submitters: Uncertain significance (3). Last evaluated 2024-11-12.

Conditions:
Spastic paraplegia. Identifiers: MedGen C0037772, HP:0001258.
Inborn genetic diseases. Identifiers: MedGen C0950123, MeSH D030342.

Allele frequency attached by ClinVar (database versions not stated): gnomAD exomes 0.00001; gnomAD 0.00003; TOPMed 0.00003.
gnomAD v4.1: 9 of 1,614,058 alleles (0.00056%); highest among the groups gnomAD compares: Non-Finnish European, 0.00068%; no homozygotes.

Submissions (3):

Labcorp Genetics (formerly Invitae), Labcorp
Classification: Uncertain significance for Spastic paraplegia. Last evaluated: 2024-11-12. Review status: criteria provided, single submitter. Criteria: Invitae Variant Classification Sherloc (09022015). Collection method: clinical testing. Allele origin: germline.
Comment: This sequence change replaces aspartic acid, which is acidic and polar, with asparagine, which is neutral and polar, at codon 391 of the CYP7B1 protein (p.Asp391Asn). This variant is present in population databases (no rsID available, gnomAD 0.002%). This variant has not been reported in the literature in individuals affected with CYP7B1-related conditions. ClinVar contains an entry for this variant (Variation ID: 598461). Invitae Evidence Modeling of protein sequence and biophysical properties (such as structural, functional, and spatial information, amino acid conservation, physicochemical variation, residue mobility, and thermodynamic stability) indicates that this missense variant is expected to disrupt CYP7B1 protein function with a positive predictive value of 95%. In summary, the available evidence is currently insufficient to determine the role of this variant in disease. Therefore, it has been classified as a Variant of Uncertain Significance.

Ambry Genetics
Classification: Uncertain significance for Inborn genetic diseases. Last evaluated: 2023-06-06. Review status: criteria provided, single submitter. Criteria: Ambry Variant Classification Scheme 2023. Collection method: clinical testing. Allele origin: germline.

Eurofins Ntd Llc (ga)
Classification: Uncertain significance. Last evaluated: 2018-08-17. Review status: criteria provided, single submitter. Criteria: EGL ClinVar v180209 classification definitions. Collection method: clinical testing. Allele origin: germline. Observed: 1 variant allele, 1 heterozygote.

NM_004820.5(CYP7B1):c.1171G>A (p.Asp391Asn)

Gene: CYP7B1 (cytochrome P450 family 7 subfamily B member 1; minus strand). Cytogenetic location: 8q12.3.
Variant type: single nucleotide variant.
Coding change: c.1171G>A on transcript NM_004820.5 (MANE Select); coding-DNA position 1171, G replaced by A.
Protein change: p.Asp391Asn; replaces aspartic acid 391 with asparagine.
Molecular consequence: missense variant.
Genome position (GRCh38, 1-based): chr8:64,604,744, C>T on the plus strand (G>A on the coding strand, the complement: CYP7B1 is on the minus strand). VCF-style: chr8-64604744-C-T. GRCh37 (hg19) VCF-style: chr8-65517301-C-T.
Other names: c.1171G>A, p.Asp391Asn (NM_001324112.2); short protein forms D391N.
Identifiers: ClinVar variation 598461 (VCV000598461.13), dbSNP rs1458654195, ClinGen allele CA371334120.